The following is an entry in ClinVar:

NM_013432.5(TONSL):c.3853G>A (p.Ala1285Thr)

Gene: TONSL (tonsoku like, DNA repair protein; minus strand). Cytogenetic location: 8q24.3.
Variant type: single nucleotide variant.
Coding change: c.3853G>A on transcript NM_013432.5 (MANE Select); coding-DNA position 3853, G replaced by A.
Protein change: p.Ala1285Thr; replaces alanine 1285 with threonine.
Molecular consequence: missense variant.
Genome position (GRCh38, 1-based): chr8:144,430,494, C>T on the plus strand (G>A on the coding strand, the complement: TONSL is on the minus strand). VCF-style: chr8-144430494-C-T. GRCh37 (hg19) VCF-style: chr8-145655877-C-T.
Other names: short protein forms A1285T.
Identifiers: ClinVar variation 2060365 (VCV002060365.4), dbSNP rs541398709, ClinGen allele CA4942351.

ClinVar aggregate classification (germline): Uncertain significance (1 of 4 stars; one submission).

Allele frequency attached by ClinVar (database versions not stated): gnomAD 0.00001; gnomAD exomes 0.00001; ExAC 0.00003; 1000 Genomes Project 30x 0.00016; 1000 Genomes Project 0.00020.
gnomAD v4.1: 10 of 1,613,416 alleles (0.00062%); highest among the groups gnomAD compares: South Asian, 0.0088%; no homozygotes.

Submission:

Labcorp Genetics (formerly Invitae), Labcorp
Classification: Uncertain significance. Last evaluated: 2022-11-01. Review status: criteria provided, single submitter. Criteria: Invitae Variant Classification Sherloc (09022015). Collection method: clinical testing. Allele origin: germline.
Comment: In summary, the available evidence is currently insufficient to determine the role of this variant in disease. Therefore, it has been classified as a Variant of Uncertain Significance. Advanced modeling of protein sequence and biophysical properties (such as structural, functional, and spatial information, amino acid conservation, physicochemical variation, residue mobility, and thermodynamic stability) has been performed at Invitae for this missense variant, however the output from this modeling did not meet the statistical confidence thresholds required to predict the impact of this variant on TONSL protein function. This variant has not been reported in the literature in individuals affected with TONSL-related conditions. This variant is present in population databases (rs541398709, gnomAD 0.01%). This sequence change replaces alanine, which is neutral and non-polar, with threonine, which is neutral and polar, at codon 1285 of the TONSL protein (p.Ala1285Thr).